The following is an entry in ClinVar:

NM_006341.4(MAD2L2):c.367C>T (p.Leu123Phe)

Gene: MAD2L2 (mitotic arrest deficient 2 like 2; minus strand). Cytogenetic location: 1p36.22.
Variant type: single nucleotide variant.
Coding change: c.367C>T on transcript NM_006341.4 (MANE Select); coding-DNA position 367, C replaced by T.
Protein change: p.Leu123Phe; replaces leucine 123 with phenylalanine.
Molecular consequence: missense variant.
Genome position (GRCh38, 1-based): chr1:11,676,106, G>A on the plus strand (C>T on the coding strand, the complement: MAD2L2 is on the minus strand). VCF-style: chr1-11676106-G-A. GRCh37 (hg19) VCF-style: chr1-11736163-G-A.
Other names: c.367C>T, p.Leu123Phe (NM_001127325.2); short protein forms L123F.
Identifiers: ClinVar variation 4810899 (VCV004810899.1).
Genomic context (GRCh38, chr1:11,676,106, plus strand): 5'-CTGGGGGGTTGTGGTCCAGGACGGCATCGCACACGCTGATCTTCAGGATGAAGGCCCGGA[G>A]CAGCTGCTCCACATGAGACAACAGCGAGTCTGAGCTGGGAGTGAGAGGAGGTCTTCCCAT-3'
Protein context (NP_006332.3, residues 113-133): DSLLSHVEQL[Leu123Phe]RAFILKISVC

ClinVar aggregate classification (germline): Uncertain significance (1 of 4 stars; one submission).

Submission:

Labcorp Genetics (formerly Invitae), Labcorp
Classification: Uncertain significance. Last evaluated: 2025-09-08. Review status: criteria provided, single submitter. Criteria: Invitae Variant Classification Sherloc (09022015). Collection method: clinical testing. Allele origin: germline.
Comment: This sequence change replaces leucine, which is neutral and non-polar, with phenylalanine, which is neutral and non-polar, at codon 123 of the MAD2L2 protein (p.Leu123Phe). This variant is not present in population databases (gnomAD no frequency). This variant has not been reported in the literature in individuals affected with MAD2L2-related conditions. An algorithm developed to predict the effect of missense changes on protein structure and function (PolyPhen-2) suggests that this variant is likely to be disruptive. In summary, the available evidence is currently insufficient to determine the role of this variant in disease. Therefore, it has been classified as a Variant of Uncertain Significance.